The following is an entry in ClinVar:

NM_006196.4(PCBP1):c.479A>C (p.Lys160Thr)

Gene: PCBP1 (poly(rC) binding protein 1; plus strand). Cytogenetic location: 2p13.3.
Variant type: single nucleotide variant.
Coding change: c.479A>C on transcript NM_006196.4 (MANE Select); coding-DNA position 479, A replaced by C.
Protein change: p.Lys160Thr; replaces lysine 160 with threonine.
Molecular consequence: missense variant.
Genome position (GRCh38, 1-based): chr2:70,088,222, A>C. VCF-style: chr2-70088222-A-C. GRCh37 (hg19) VCF-style: chr2-70315354-A-C.
Other names: short protein forms K160T.
Identifiers: ClinVar variation 4852572 (VCV004852572.1).

ClinVar aggregate classification (germline): Likely pathogenic (1 of 4 stars; one submission).

Conditions:
Neurodevelopmental disorder. Identifiers: MedGen C1535926, MeSH D065886, MONDO:0700092.

Submission:

Laboratory of Molecular Genetics (Pr. Bezieau's lab), CHU de Nantes
Classification: Likely pathogenic for Neurodevelopmental disorder. Last evaluated: 2026-05-27. Review status: criteria provided, single submitter. Criteria: ACMG Guidelines, 2015. Collection method: clinical testing. Allele origin: de novo. Inheritance: Autosomal dominant inheritance. Affected: yes. Observed: 1 variant allele, 1 heterozygote.
Comment: ACMG criteria: PS2, PM1, PM2, PP2. Protein change: p.(Lys160Thr).